The following is an entry in ClinVar:

NM_004329.3(BMPR1A):c.794C>T (p.Thr265Ile)

Gene: BMPR1A (bone morphogenetic protein receptor type 1A; plus strand). Cytogenetic location: 10q23.2.
Variant type: single nucleotide variant.
Coding change: c.794C>T on transcript NM_004329.3 (MANE Select); coding-DNA position 794, C replaced by T.
Protein change: p.Thr265Ile; replaces threonine 265 with isoleucine.
Molecular consequence: missense variant.
Genome position (GRCh38, 1-based): chr10:86,917,252, C>T. VCF-style: chr10-86917252-C-T. GRCh37 (hg19) VCF-style: chr10-88677009-C-T.
Other names: short protein forms T265I.
Identifiers: ClinVar variation 419535 (VCV000419535.13), dbSNP rs1064793937, ClinGen allele CA16619005.

ClinVar aggregate classification (germline): Uncertain significance. Review status: criteria provided, multiple submitters, no conflicts (2 of 4 stars). 4 submissions from 4 submitters: Uncertain significance (4). Last evaluated 2024-11-27.

Conditions:
Juvenile polyposis syndrome (JPS). Identifiers: Orphanet 2929, MedGen C0345893, MONDO:0017380, OMIM 174900.
Hereditary cancer-predisposing syndrome. Also called: Hereditary neoplastic syndrome; Hereditary Cancer Syndrome; Neoplastic Syndromes, Hereditary; Tumor predisposition. Identifiers: Orphanet 140162, MedGen C0027672, MeSH D009386, MONDO:0015356.

Submissions (4):

Labcorp Genetics (formerly Invitae), Labcorp
Classification: Uncertain significance for Juvenile polyposis syndrome. Last evaluated: 2024-11-27. Review status: criteria provided, single submitter. Criteria: Invitae Variant Classification Sherloc (09022015). Collection method: clinical testing. Allele origin: germline.
Comment: This sequence change replaces threonine, which is neutral and polar, with isoleucine, which is neutral and non-polar, at codon 265 of the BMPR1A protein (p.Thr265Ile). This variant is not present in population databases (gnomAD no frequency). This variant has not been reported in the literature in individuals affected with BMPR1A-related conditions. ClinVar contains an entry for this variant (Variation ID: 419535). Invitae Evidence Modeling of protein sequence and biophysical properties (such as structural, functional, and spatial information, amino acid conservation, physicochemical variation, residue mobility, and thermodynamic stability) indicates that this missense variant is not expected to disrupt BMPR1A protein function with a negative predictive value of 80%. In summary, the available evidence is currently insufficient to determine the role of this variant in disease. Therefore, it has been classified as a Variant of Uncertain Significance.

Color Diagnostics, LLC DBA Color Health
Classification: Uncertain significance for Hereditary cancer-predisposing syndrome. Last evaluated: 2023-12-05. Review status: criteria provided, single submitter. Criteria: ACMG Guidelines, 2015. Collection method: clinical testing. Allele origin: germline.
Comment: This missense variant replaces threonine with isoleucine at codon 265 of the BMPR1A protein. Computational prediction tools and conservation analyses suggest that this variant may have deleterious impact on the protein function. Computational splicing tools suggest that this variant may not impact RNA splicing. To our knowledge, functional assays have not been performed for this variant nor has this variant been reported in individuals affected with hereditary cancer in the literature. This variant has not been identified in the general population by the Genome Aggregation Database (gnomAD). Available evidence is insufficient to determine the role of this variant in disease conclusively. Therefore, this variant is classified as a Variant of Uncertain Significance.

Ambry Genetics
Classification: Uncertain significance for Hereditary cancer-predisposing syndrome. Last evaluated: 2023-01-05. Review status: criteria provided, single submitter. Criteria: Ambry Variant Classification Scheme 2023. Collection method: clinical testing. Allele origin: germline.
Comment: The p.T265I variant (also known as c.794C>T), located in coding exon 7 of the BMPR1A gene, results from a C to T substitution at nucleotide position 794. The threonine at codon 265 is replaced by isoleucine, an amino acid with similar properties. This amino acid position is conserved. In addition, the in silico prediction for this alteration is inconclusive. Since supporting evidence is limited at this time, the clinical significance of this alteration remains unclear.

GeneDx
Classification: Uncertain significance. Last evaluated: 2021-06-25. Review status: criteria provided, single submitter. Criteria: GeneDx Variant Classification Process June 2021. Collection method: clinical testing. Allele origin: germline. Affected: yes.
Comment: Not observed at significant frequency in large population cohorts (Lek et al., 2016); In silico analysis supports that this missense variant has a deleterious effect on protein structure/function; Has not been previously published as pathogenic or benign to our knowledge; This variant is associated with the following publications: (PMID: 27535533)